The following is an entry in ClinVar:

NM_002693.3(POLG):c.2662G>C (p.Gly888Arg)

Gene: POLG (DNA polymerase gamma, catalytic subunit; minus strand). Cytogenetic location: 15q26.1.
Variant type: single nucleotide variant.
Coding change: c.2662G>C on transcript NM_002693.3 (MANE Select); coding-DNA position 2662, G replaced by C.
Protein change: p.Gly888Arg; replaces glycine 888 with arginine.
Molecular consequence: missense variant.
Genome position (GRCh38, 1-based): chr15:89,321,197, C>G on the plus strand (G>C on the coding strand, the complement: POLG is on the minus strand). VCF-style: chr15-89321197-C-G. GRCh37 (hg19) VCF-style: chr15-89864428-C-G.
Other names: c.2662G>C, p.Gly888Arg (NM_001126131.2); short protein forms G888R.
Identifiers: ClinVar variation 2499892 (VCV002499892.2), dbSNP rs1567186787, ClinGen allele CA393753754.

ClinVar aggregate classification (germline): Uncertain significance (1 of 4 stars; one submission).

Allele frequency attached by ClinVar (database versions not stated): TOPMed below 0.00001.

Submission:

GeneDx
Classification: Uncertain significance. Last evaluated: 2023-08-27. Review status: criteria provided, single submitter. Criteria: GeneDx Variant Classification Process June 2021. Collection method: clinical testing. Allele origin: germline.
Comment: Not observed at significant frequency in large population cohorts (gnomAD); In silico analysis supports that this missense variant has a deleterious effect on protein structure/function; Has not been previously published as pathogenic or benign to our knowledge